The following is an entry in ClinVar:

ClinVar aggregate classification (germline): Uncertain significance. Review status: criteria provided, multiple submitters, no conflicts (2 of 4 stars). 2 submissions from 2 submitters: Uncertain significance (2). Last evaluated 2025-10-26.

Allele frequency attached by ClinVar (database versions not stated): TOPMed 0.00002; ExAC 0.00002; gnomAD 0.00002; gnomAD exomes 0.00001.
gnomAD v4.1: 7 of 1,614,076 alleles (0.00043%); highest among the groups gnomAD compares: Non-Finnish European, 0.00059%; no homozygotes.

Submissions (2):

Labcorp Genetics (formerly Invitae), Labcorp
Classification: Uncertain significance. Last evaluated: 2025-10-26. Review status: criteria provided, single submitter. Criteria: Invitae Variant Classification Sherloc (09022015). Collection method: clinical testing. Allele origin: germline.
Comment: This sequence change replaces serine, which is neutral and polar, with proline, which is neutral and non-polar, at codon 749 of the IL6ST protein (p.Ser749Pro). This variant is present in population databases (rs746583730, gnomAD 0.0009%). This variant has not been reported in the literature in individuals affected with IL6ST-related conditions. ClinVar contains an entry for this variant (Variation ID: 2987045). An algorithm developed to predict the effect of missense changes on protein structure and function (PolyPhen-2) suggests that this variant is likely to be tolerated. In summary, the available evidence is currently insufficient to determine the role of this variant in disease. Therefore, it has been classified as a Variant of Uncertain Significance.

Ambry Genetics
Classification: Uncertain significance. Last evaluated: 2025-05-23. Review status: criteria provided, single submitter. Criteria: Ambry Variant Classification Scheme 2023. Collection method: clinical testing. Allele origin: germline.

NM_002184.4(IL6ST):c.2245T>C (p.Ser749Pro)

Gene: IL6ST (interleukin 6 cytokine family signal transducer; minus strand). Cytogenetic location: 5q11.2.
Variant type: single nucleotide variant.
Coding change: c.2245T>C on transcript NM_002184.4 (MANE Select); coding-DNA position 2245, T replaced by C.
Protein change: p.Ser749Pro; replaces serine 749 with proline.
Molecular consequence: missense variant. On other transcripts: 3 prime UTR variant (1), non-coding transcript variant (2).
Genome position (GRCh38, 1-based): chr5:55,941,594, A>G on the plus strand (T>C on the coding strand, the complement: IL6ST is on the minus strand). VCF-style: chr5-55941594-A-G. GRCh37 (hg19) VCF-style: chr5-55237422-A-G.
Other names: c.2062T>C, p.Ser688Pro (NM_001190981.2); c.2143T>C, p.Ser715Pro (NM_001364275.2); c.2035T>C, p.Ser679Pro (NM_001364276.2); c.1378T>C, p.Ser460Pro (NM_001364277.2); c.1342T>C, p.Ser448Pro (NM_001364278.2); c.1249T>C, p.Ser417Pro (NM_001364279.2); c.*1172T>C (NM_175767.3); c.2245T>C (NM_002184.3); short protein forms S679P, S715P, S417P, S448P, S688P, S460P, S749P.
Identifiers: ClinVar variation 2987045 (VCV002987045.4), dbSNP rs746583730, ClinGen allele CA3271183.